The following is an entry in ClinVar:

ClinVar aggregate classification (germline): Uncertain significance (1 of 4 stars; one submission).

Conditions:
Tuberous sclerosis 1 (TSC1). Identifiers: Orphanet 805, MedGen C1854465, MONDO:0008612, OMIM 191100.

Submission:

Labcorp Genetics (formerly Invitae), Labcorp
Classification: Uncertain significance for Tuberous sclerosis 1. Last evaluated: 2024-03-21. Review status: criteria provided, single submitter. Criteria: Invitae Variant Classification Sherloc (09022015). Collection method: clinical testing. Allele origin: germline.
Comment: This sequence change replaces glutamic acid, which is acidic and polar, with glycine, which is neutral and non-polar, at codon 340 of the TSC1 protein (p.Glu340Gly). This variant is not present in population databases (gnomAD no frequency). This variant has not been reported in the literature in individuals affected with TSC1-related conditions. Advanced modeling of protein sequence and biophysical properties (such as structural, functional, and spatial information, amino acid conservation, physicochemical variation, residue mobility, and thermodynamic stability) performed at Invitae indicates that this missense variant is not expected to disrupt TSC1 protein function with a negative predictive value of 95%. In summary, the available evidence is currently insufficient to determine the role of this variant in disease. Therefore, it has been classified as a Variant of Uncertain Significance.

NM_000368.5(TSC1):c.1019A>G (p.Glu340Gly)

Gene: TSC1 (TSC complex subunit 1; minus strand). Cytogenetic location: 9q34.13.
Variant type: single nucleotide variant.
Coding change: c.1019A>G on transcript NM_000368.5 (MANE Select); coding-DNA position 1019, A replaced by G.
Protein change: p.Glu340Gly; replaces glutamic acid 340 with glycine.
Molecular consequence: missense variant. On other transcripts: 5 prime UTR variant (2), non-coding transcript variant (5).
Genome position (GRCh38, 1-based): chr9:132,911,463, T>C on the plus strand (A>G on the coding strand, the complement: TSC1 is on the minus strand). VCF-style: chr9-132911463-T-C. GRCh37 (hg19) VCF-style: chr9-135786850-T-C.
Other names: c.1019A>G, p.Glu340Gly (NM_001406609.1, NM_001406600.1, NM_001406601.1 and 16 more transcripts); c.866A>G, p.Glu289Gly (NM_001406610.1, NM_001406611.1, NM_001406612.1 and 2 more transcripts); c.656A>G, p.Glu219Gly (NM_001406614.1, NM_001406615.1, NM_001406616.1 and 10 more transcripts); c.68A>G, p.Glu23Gly (NM_001406628.1, NM_001406626.1, NM_001406627.1); c.-75A>G (NM_001406629.1, NM_001406630.1); short protein forms E219G, E289G, E340G, E23G.
Identifiers: ClinVar variation 3647151 (VCV003647151.2).
Genomic context (GRCh38, chr9:132,911,463, plus strand): 5'-GCTTCACCAGAAAGCAGAGGAGAGAGCAGGCACACTAGTTGACACCATACTTGTGGTGGT[T>C]CAGTTATCAGCCGTGTCGATGGGGAACTCAGAGTCTGAGGTAGCTGCCCTGGCATATTTA-3'
Protein context (NP_000359.1, residues 330-350): LSSPSTRLIT[Glu340Gly]PPQATLWSPS